The following is an entry in ClinVar:

NM_001164508.2(NEB):c.25405-17dup

Genes: NEB (nebulin; minus strand), RIF1 (replication timing regulatory factor 1; plus strand). Cytogenetic location: 2q23.3.
Variant type: Duplication.
Coding change: c.25405-17dup on transcript NM_001164508.2 (MANE Select); 17 bases into the intron before coding-DNA position 25405, one base duplicated (T; older notation c.25405-17dupT).
Molecular consequence: intron variant.
Genome position (GRCh38, 1-based): chr2:151,485,950, A duplicated on the plus strand (T on the coding strand, the reverse complement: NEB is on the minus strand); the first of 4 consecutive A bases (chr2:151,485,950-151,485,953); duplicating any one gives the same sequence. VCF-style (leftmost placement, unchanged base first): chr2-151485949-G-GA. GRCh37 (hg19) VCF-style: chr2-152342463-G-GA.
Other names: c.19837-17dup (NM_004543.5); c.25405-17dup (NM_001164507.2); c.25510-17dup (NM_001271208.2); c.25510-17dupT (NM_001271208.1).
Identifiers: ClinVar variation 257805 (VCV000257805.9), dbSNP rs148839798, ClinGen allele CA1905709.

ClinVar aggregate classification (germline): Benign. Review status: criteria provided, multiple submitters, no conflicts (2 of 4 stars). 4 submissions from 4 submitters: Benign (4). Last evaluated 2026-02-04.

Conditions:
Nemaline myopathy 2 (NEM2). Also called: Nemaline myopathy 2, autosomal recessive. Identifiers: MedGen C1850569, MONDO:0009725, OMIM 256030.

Submissions (4):

Labcorp Genetics (formerly Invitae), Labcorp
Classification: Benign for Nemaline myopathy 2. Last evaluated: 2026-02-04. Review status: criteria provided, single submitter. Criteria: Invitae Variant Classification Sherloc (09022015). Collection method: clinical testing. Allele origin: germline.

Women's Health and Genetics/Laboratory Corporation of America, LabCorp
Classification: Benign. Last evaluated: 2017-04-24. Review status: criteria provided, single submitter. Criteria: LabCorp Variant Classification Summary - May 2015. Collection method: clinical testing. Allele origin: germline.
Comment: Variant summary: The NEB c.25510-17dupT variant involves the duplication of an intronic nucleotide 17 basepairs away from the exon-intron junction. One in silico tool predicts a benign outcome for this variant. 5/5 splice prediction tools predict no significant impact on normal splicing and ESE finder predicts no significant impact on ESE sites at the locus. However, these predictions have yet to be confirmed by functional studies. This variant was found in the large control database ExAC in 585 of 119984 control chromosomes (13 homozygotes) in all ethnicities, but was predominantly observed in the East Asian subpopulation at a frequency of 0.046692 (398/8524 [11 homozygotes]). This frequency is about 13 times the estimated maximal expected allele frequency of a pathogenic NEB variant (0.0035355), providing strong evidence that this is likely a benign polymorphism found primarily in the populations of East Asian origin. In addition, one clinical diagnostic laboratory has classified this variant as benign. To our knowledge, the variant of interest has not been reported in affected individuals via publications, nor has it been evaluated for functional impact by in vivo/vitro studies. Taken together, this variant is classified as benign.

GeneDx
Classification: Benign. Last evaluated: 2016-07-08. Review status: criteria provided, single submitter. Criteria: GeneDx Variant Classification (06012015). Collection method: clinical testing. Allele origin: germline. Affected: yes.
Comment: This variant is considered likely benign or benign based on one or more of the following criteria: it is a conservative change, it occurs at a poorly conserved position in the protein, it is predicted to be benign by multiple in silico algorithms, and/or has population frequency not consistent with disease.

PreventionGenetics, part of Exact Sciences
Classification: Benign. Review status: criteria provided, single submitter. Criteria: ACMG Guidelines, 2015. Collection method: clinical testing. Allele origin: germline.